The following is an entry in ClinVar:

ClinVar aggregate classification (germline): Conflicting classifications of pathogenicity. Review status: criteria provided, conflicting classifications (1 of 4 stars). 4 submissions from 4 submitters: Likely pathogenic (1); Uncertain significance (3). Last evaluated 2026-03-18.

Conditions:
TMEM231-related disorder. Also called: TMEM231-related condition.
Joubert syndrome 20 (JBTS20). Identifiers: Orphanet 475, MedGen C3554235, MONDO:0013994, OMIM 614970.
Meckel syndrome, type 11 (MKS11). Identifiers: Orphanet 564, MedGen C3809352, MONDO:0014164, OMIM 615397.

Allele frequency attached by ClinVar (database versions not stated): gnomAD exomes below 0.00001 and 0.00001; ExAC 0.00001; gnomAD 0.00001; 1000 Genomes Project 30x 0.00016; 1000 Genomes Project 0.00020.
gnomAD v4.1: 11 of 1,605,564 alleles (0.00069%); highest among the groups gnomAD compares: African/African-American, 0.0014%; no homozygotes.

Submissions (4):

Women's Health and Genetics/Laboratory Corporation of America, LabCorp
Classification: Uncertain significance. Last evaluated: 2026-03-18. Review status: criteria provided, single submitter. Criteria: LabCorp Variant Classification Summary - May 2015. Collection method: clinical testing. Allele origin: germline.
Comment: Variant summary: TMEM231 c.656C>T (p.Pro219Leu) results in a non-conservative amino acid change in the encoded protein sequence. Algorithms developed to predict the effect of missense changes on protein structure and function are either unavailable or do not agree on the potential impact of this missense change. The variant allele was found at a frequency of 4.1e-06 in 246912 control chromosomes. The available data on variant occurrences in the general population are insufficient to allow any conclusion about variant significance. c.656C>T has been observed in the compound heterozygous state in at least one individual affected with Joubert Syndrome And Related Disorders (e.g. Li_2016). These data do not allow any conclusion about variant significance. To our knowledge, no experimental evidence demonstrating an impact on protein function has been reported. The following publication has been ascertained in the context of this evaluation (PMID: 26982032). ClinVar contains an entry for this variant (Variation ID: 1509197). Based on the evidence outlined above, the variant was classified as uncertain significance.

Fulgent Genetics
Classification: Uncertain significance for Joubert syndrome 20; Meckel syndrome, type 11. Last evaluated: 2024-06-01. Review status: criteria provided, single submitter. Criteria: ACMG Guidelines, 2015. Collection method: clinical testing. Allele origin: germline.

Blueprint Genetics
Classification: Likely pathogenic for TMEM231-related disorders. Last evaluated: 2023-10-09. Review status: criteria provided, single submitter. Criteria: ACMG Guidelines, 2015. Collection method: clinical testing. Allele origin: germline. Affected: yes. Observed: 2 variant alleles.

Labcorp Genetics (formerly Invitae), Labcorp
Classification: Uncertain significance for Joubert syndrome 20; Meckel syndrome, type 11. Last evaluated: 2021-10-12. Review status: criteria provided, single submitter. Criteria: Invitae Variant Classification Sherloc (09022015). Collection method: clinical testing. Allele origin: germline.
Comment: The frequency data for this variant in the population databases is considered unreliable, as metrics indicate poor data quality at this position in the ExAC database. This missense change has been observed in individual(s) with clinical features of TMEM231-related conditions (PMID: 28289185). Algorithms developed to predict the effect of missense changes on protein structure and function are either unavailable or do not agree on the potential impact of this missense change (SIFT: "Deleterious"; PolyPhen-2: "Not Available"; Align-GVGD: "Class C65"). In summary, the available evidence is currently insufficient to determine the role of this variant in disease. Therefore, it has been classified as a Variant of Uncertain Significance. This sequence change replaces proline with leucine at codon 219 of the TMEM231 protein (p.Pro219Leu). The proline residue is highly conserved and there is a moderate physicochemical difference between proline and leucine.

Literature cited by the submitters: PubMed 26982032 (cited by Women's Health and Genetics/Laboratory Corporation of America, LabCorp); PubMed 28289185 (cited by Labcorp Genetics (formerly Invitae), Labcorp).

NM_001077418.3(TMEM231):c.497C>T (p.Pro166Leu)

Gene: TMEM231 (transmembrane protein 231; minus strand). Cytogenetic location: 16q23.1.
Variant type: single nucleotide variant.
Coding change: c.497C>T on transcript NM_001077418.3 (MANE Select); coding-DNA position 497, C replaced by T.
Protein change: p.Pro166Leu; replaces proline 166 with leucine.
Molecular consequence: missense variant. On other transcripts: non-coding transcript variant (1).
Genome position (GRCh38, 1-based): chr16:75,545,437, G>A on the plus strand (C>T on the coding strand, the complement: TMEM231 is on the minus strand). VCF-style: chr16-75545437-G-A. GRCh37 (hg19) VCF-style: chr16-75579335-G-A.
Other names: c.656C>T, p.Pro219Leu (NM_001077416.2); short protein forms P166L, P219L.
Identifiers: ClinVar variation 1509197 (VCV001509197.10), dbSNP rs549400559, ClinGen allele CA8176171.